The following is an entry in ClinVar:

ClinVar aggregate classification (germline): Pathogenic. Review status: criteria provided, multiple submitters, no conflicts (2 of 4 stars). 2 submissions from 2 submitters: Pathogenic (2). Last evaluated 2025-06-30.

Conditions:
CEP290-related ciliopathy. Also called: CEP290 ciliopathy. Identifiers: MedGen CN305601, MONDO:0100451.
Meckel-Gruber syndrome. Also called: DYSENCEPHALIA SPLANCHNOCYSTICA; Dysencephalia splachnocystica; GRUBER SYNDROME. Identifiers: Orphanet 564, MedGen C0265215, MONDO:0018921.
Joubert syndrome. Also called: JOUBERT-BOLTSHAUSER SYNDROME; Familial aplasia of the vermis. Identifiers: Orphanet 475, MedGen C5979921, MONDO:0018772.
Nephronophthisis. Also called: Juvenile Nephronophthisis. Identifiers: Orphanet 655, MedGen C0687120, MONDO:0019005, HP:0000090.

Submissions (2):

Myriad Genetics, Inc.
Classification: Pathogenic for CEP290-related ciliopathy. Last evaluated: 2025-06-30. Review status: criteria provided, single submitter. Criteria: Myriad Autosomal Dominant, Autosomal Recessive and X-Linked Classification Criteria (2023). Collection method: clinical testing. Allele origin: unknown.
Comment: NM_025114.3(CEP290):c.3334C>T(Q1112*) is expected to be pathogenic in the context of CEP290-related disorders. This variant is predicted to lead to an abnormal or absent protein product due to the creation of a premature termination codon in CEP290, a gene where loss-of-function variants are known to be pathogenic. Please note: this variant was assessed in the context of healthy population screening.

Labcorp Genetics (formerly Invitae), Labcorp
Classification: Pathogenic for Joubert syndrome; Meckel-Gruber syndrome; Nephronophthisis. Last evaluated: 2022-10-11. Review status: criteria provided, single submitter. Criteria: Invitae Variant Classification Sherloc (09022015). Collection method: clinical testing. Allele origin: germline.
Comment: This sequence change creates a premature translational stop signal (p.Gln1112*) in the CEP290 gene. It is expected to result in an absent or disrupted protein product. Loss-of-function variants in CEP290 are known to be pathogenic (PMID: 16909394, 17345604, 20690115). This variant is not present in population databases (gnomAD no frequency). This variant has not been reported in the literature in individuals affected with CEP290-related conditions. ClinVar contains an entry for this variant (Variation ID: 1074721). For these reasons, this variant has been classified as Pathogenic.

Literature cited by the submitters: PubMed 16909394 (cited by Labcorp Genetics (formerly Invitae), Labcorp); PubMed 17345604 (cited by Labcorp Genetics (formerly Invitae), Labcorp); PubMed 20690115 (cited by Labcorp Genetics (formerly Invitae), Labcorp).

NM_025114.4(CEP290):c.3334C>T (p.Gln1112Ter)

Gene: CEP290 (centrosomal protein 290; minus strand). Cytogenetic location: 12q21.32.
Variant type: single nucleotide variant.
Coding change: c.3334C>T on transcript NM_025114.4 (MANE Select); coding-DNA position 3334, C replaced by T.
Protein change: p.Gln1112Ter; replaces glutamine 1112 with a stop codon.
Molecular consequence: nonsense.
Genome position (GRCh38, 1-based): chr12:88,092,808, G>A on the plus strand (C>T on the coding strand, the complement: CEP290 is on the minus strand). VCF-style: chr12-88092808-G-A. GRCh37 (hg19) VCF-style: chr12-88486585-G-A.
Other names: short protein forms Q1112*.
Identifiers: ClinVar variation 1074721 (VCV001074721.8), dbSNP rs2137344539, ClinGen allele CA386004646.
Genomic context (GRCh38, chr12:88,092,808, plus strand): 5'-CACTTACTGCCTTGCTCACACTATCAGCTAATTCATCTCTTAACATCTGTTCCACCTTCT[G>A]TGCATCCAAATTGATTTTGGTAAGCTAAGGAAATGTAACAAAAAATGTTCAGATACATCA-3'